The following is an entry in ClinVar:

ClinVar aggregate classification (germline): Uncertain significance (1 of 4 stars; one submission).

Submission:

GeneDx
Classification: Uncertain significance. Last evaluated: 2025-05-06. Review status: criteria provided, single submitter. Criteria: GeneDx Variant Classification Process June 2021. Collection method: clinical testing. Allele origin: germline. Affected: yes.
Comment: Not observed at significant frequency in large population cohorts (gnomAD); In silico analysis suggests that this missense variant does not alter protein structure/function; Has not been previously published as pathogenic or benign to our knowledge

NM_001394998.1(TANC2):c.1234G>C (p.Glu412Gln)

Gene: TANC2 (tetratricopeptide repeat, ankyrin repeat and coiled-coil containing 2; plus strand). Cytogenetic location: 17q23.3.
Variant type: single nucleotide variant.
Coding change: c.1234G>C on transcript NM_001394998.1 (MANE Select); coding-DNA position 1234, G replaced by C.
Protein change: p.Glu412Gln; replaces glutamic acid 412 with glutamine.
Molecular consequence: missense variant.
Genome position (GRCh38, 1-based): chr17:63,314,462, G>C. VCF-style: chr17-63314462-G-C. GRCh37 (hg19) VCF-style: chr17-61391823-G-C.
Other names: c.1012G>C, p.Glu338Gln (NM_001411076.1, NM_025185.4); short protein forms E338Q, E412Q.
Identifiers: ClinVar variation 4529798 (VCV004529798.1).